The following is an entry in ClinVar:

NM_052947.4(ALPK2):c.689G>A (p.Cys230Tyr)

Genes: ALPK2 (alpha kinase 2; minus strand), LOC114803473 (ALPK2 eExon liver enhancer; plus strand). Cytogenetic location: 18q21.31.
Variant type: single nucleotide variant.
Coding change: c.689G>A on transcript NM_052947.4 (MANE Select); coding-DNA position 689, G replaced by A.
Protein change: p.Cys230Tyr; replaces cysteine 230 with tyrosine.
Molecular consequence: missense variant.
Genome position (GRCh38, 1-based): chr18:58,580,087, C>T on the plus strand (G>A on the coding strand, the complement: ALPK2 is on the minus strand). VCF-style: chr18-58580087-C-T. GRCh37 (hg19) VCF-style: chr18-56247319-C-T.
Other names: short protein forms C230Y.
Identifiers: ClinVar variation 1756037 (VCV001756037.4), dbSNP rs930492629, ClinGen allele CA300927518.

ClinVar aggregate classification (germline): Uncertain significance (1 of 4 stars; one submission).

Allele frequency attached by ClinVar (database versions not stated): gnomAD exomes below 0.00001.
gnomAD v4.1: 7 of 1,614,272 alleles (0.00043%); highest among the groups gnomAD compares: Admixed American, 0.0017%; no homozygotes.

Submission:

Ambry Genetics
Classification: Uncertain significance. Last evaluated: 2024-05-09. Review status: criteria provided, single submitter. Criteria: Ambry Variant Classification Scheme 2023. Collection method: clinical testing. Allele origin: germline.
Comment: The p.C230Y variant (also known as c.689G>A), located in coding exon 3 of the ALPK2 gene, results from a G to A substitution at nucleotide position 689. The cysteine at codon 230 is replaced by tyrosine, an amino acid with highly dissimilar properties. This amino acid position is conserved. In addition, this alteration is predicted to be tolerated by in silico analysis. Since supporting evidence is limited at this time, the clinical significance of this alteration remains unclear.